The following is an entry in ClinVar:

NM_002693.3(POLG):c.2982-331G>T

Genes: POLG (DNA polymerase gamma, catalytic subunit; minus strand), POLGARF (POLG alternative reading frame; minus strand). Cytogenetic location: 15q26.1.
Variant type: single nucleotide variant.
Coding change: c.2982-331G>T on transcript NM_002693.3 (MANE Select); 331 bases into the intron before coding-DNA position 2982, G replaced by T.
Molecular consequence: intron variant.
Genome position (GRCh38, 1-based): chr15:89,319,681, C>A on the plus strand (G>T on the coding strand, the complement: POLG is on the minus strand). VCF-style: chr15-89319681-C-A. GRCh37 (hg19) VCF-style: chr15-89862912-C-A.
Other names: c.2982-331G>T (NM_001126131.2).
Identifiers: ClinVar variation 680971 (VCV000680971.1), dbSNP rs60907897, ClinGen allele CA274542583.
Genomic context (GRCh38, chr15:89,319,681, plus strand): 5'-CACAGGAGGCACCACTATTCCTACTGTCCTGTTTCTTTAGACACTGAATTGCCCAATGAC[C>A]AACACGGGCCTTTTATTCAGGAGGCAGCAAGGGCCATCACTCTAGATTTGGGGGGATAGG-3'

ClinVar aggregate classification (germline): Benign (1 of 4 stars; one submission).

Allele frequency attached by ClinVar (database versions not stated): 1000 Genomes Project 0.02376; 1000 Genomes Project 30x 0.02389; TOPMed 0.02517.
gnomAD v4.1: 3,241 of 152,258 alleles (2.1%); highest among the groups gnomAD compares: African/African-American, 7.2%; 123 homozygotes.

Submission:

GeneDx
Classification: Benign. Last evaluated: 2018-06-19. Review status: criteria provided, single submitter. Criteria: GeneDx Variant Classification (06012015). Collection method: clinical testing. Allele origin: germline. Affected: yes.
Comment: This variant is considered likely benign or benign based on one or more of the following criteria: it is a conservative change, it occurs at a poorly conserved position in the protein, it is predicted to be benign by multiple in silico algorithms, and/or has population frequency not consistent with disease.